The following is an entry in ClinVar:

ClinVar aggregate classification (germline): Benign. Review status: criteria provided, multiple submitters, no conflicts (2 of 4 stars). 2 submissions from 2 submitters: Benign (2). Last evaluated 2018-06-14.

Allele frequency attached by ClinVar (database versions not stated): gnomAD 0.06001 and 0.06583; 1000 Genomes Project 0.10244; TOPMed 0.06709; gnomAD exomes 0.07143; 1000 Genomes Project 30x 0.10259.

Submissions (2):

GeneDx
Classification: Benign. Last evaluated: 2018-06-14. Review status: criteria provided, single submitter. Criteria: GeneDx Variant Classification (06012015). Collection method: clinical testing. Allele origin: germline. Affected: yes.
Comment: This variant is considered likely benign or benign based on one or more of the following criteria: it is a conservative change, it occurs at a poorly conserved position in the protein, it is predicted to be benign by multiple in silico algorithms, and/or has population frequency not consistent with disease.

Breakthrough Genomics
Classification: Benign. Review status: criteria provided, single submitter. Criteria: ACMG Guidelines, 2015. Collection method: not provided. Allele origin: germline. Inheritance: Autosomal recessive inheritance. Affected: yes.

NM_001128227.2(GNE):c.-230G>A

Gene: GNE (glucosamine (UDP-N-acetyl)-2-epimerase/N-acetylmannosamine kinase; minus strand). Cytogenetic location: 9p13.3.
Variant type: single nucleotide variant.
Coding change: c.-230G>A on transcript NM_001128227.2; 230 bases upstream of the start codon, G replaced by A.
Genome position (GRCh38, 1-based): chr9:36,277,174, C>T on the plus strand (G>A on the coding strand, the complement: GNE is on the minus strand). VCF-style: chr9-36277174-C-T. GRCh37 (hg19) VCF-style: chr9-36277171-C-T.
Identifiers: ClinVar variation 672297 (VCV000672297.4), dbSNP rs72624019, ClinGen allele CA13096163.
Genomic context (GRCh38, chr9:36,277,174, plus strand): 5'-CTCATATTCCTGGACAGTAGCTCGAAAGTAGGTGGTCAGTCAGCGTCTGAGTGTTACTTC[C>T]CTGTTTTGGATTTCCCATTCCATCCAATAATTTTACTTTCCACTAGAAAAAGTTTTCTTC-3'